The following is an entry in ClinVar:

NM_031935.3(HMCN1):c.52T>C (p.Ser18Pro)

Gene: HMCN1 (hemicentin 1; plus strand). Cytogenetic location: 1q25.3.
Variant type: single nucleotide variant.
Coding change: c.52T>C on transcript NM_031935.3 (MANE Select); coding-DNA position 52, T replaced by C.
Protein change: p.Ser18Pro; replaces serine 18 with proline.
Molecular consequence: missense variant.
Genome position (GRCh38, 1-based): chr1:185,734,831, T>C. VCF-style: chr1-185734831-T-C. GRCh37 (hg19) VCF-style: chr1-185703963-T-C.
Other names: short protein forms S18P.
Identifiers: ClinVar variation 3660866 (VCV003660866.2).

ClinVar aggregate classification (germline): Uncertain significance (1 of 4 stars; one submission).

Submission:

Labcorp Genetics (formerly Invitae), Labcorp
Classification: Uncertain significance. Last evaluated: 2024-07-30. Review status: criteria provided, single submitter. Criteria: Invitae Variant Classification Sherloc (09022015). Collection method: clinical testing. Allele origin: germline.
Comment: This sequence change replaces serine, which is neutral and polar, with proline, which is neutral and non-polar, at codon 18 of the HMCN1 protein (p.Ser18Pro). This variant is not present in population databases (gnomAD no frequency). This variant has not been reported in the literature in individuals affected with HMCN1-related conditions. An algorithm developed to predict the effect of missense changes on protein structure and function outputs the following: PolyPhen-2: "Benign". The proline amino acid residue is found in multiple mammalian species, which suggests that this missense change does not adversely affect protein function. In summary, the available evidence is currently insufficient to determine the role of this variant in disease. Therefore, it has been classified as a Variant of Uncertain Significance.